The following is an entry in ClinVar:

ClinVar aggregate classification (germline): Uncertain significance. Review status: criteria provided, multiple submitters, no conflicts (2 of 4 stars). 2 submissions from 2 submitters: Uncertain significance (2). Last evaluated 2025-12-30.

Conditions:
Inborn genetic diseases. Identifiers: MedGen C0950123, MeSH D030342.

Allele frequency attached by ClinVar (database versions not stated): 1000 Genomes Project 0.00020; ESP Exome Variant Server 0.00023; 1000 Genomes Project 30x 0.00031.

Submissions (2):

Labcorp Genetics (formerly Invitae), Labcorp
Classification: Uncertain significance. Last evaluated: 2025-12-30. Review status: criteria provided, single submitter. Criteria: Invitae Variant Classification Sherloc (09022015). Collection method: clinical testing. Allele origin: germline.
Comment: This sequence change replaces threonine, which is neutral and polar, with serine, which is neutral and polar, at codon 368 of the TNFRSF11B protein (p.Thr368Ser). This variant is present in population databases (rs149720389, gnomAD 0.05%). This variant has not been reported in the literature in individuals affected with TNFRSF11B-related conditions. ClinVar contains an entry for this variant (Variation ID: 1493891). An algorithm developed to predict the effect of missense changes on protein structure and function (PolyPhen-2) suggests that this variant is likely to be tolerated. In summary, the available evidence is currently insufficient to determine the role of this variant in disease. Therefore, it has been classified as a Variant of Uncertain Significance.

Ambry Genetics
Classification: Uncertain significance for Inborn genetic diseases. Last evaluated: 2021-07-15. Review status: criteria provided, single submitter. Criteria: Ambry Variant Classification Scheme 2023. Collection method: clinical testing. Allele origin: germline.

NM_002546.4(TNFRSF11B):c.1102A>T (p.Thr368Ser)

Gene: TNFRSF11B (TNF receptor superfamily member 11b; minus strand). Cytogenetic location: 8q24.12.
Variant type: single nucleotide variant.
Coding change: c.1102A>T on transcript NM_002546.4 (MANE Select); coding-DNA position 1102, A replaced by T.
Protein change: p.Thr368Ser; replaces threonine 368 with serine.
Molecular consequence: missense variant.
Genome position (GRCh38, 1-based): chr8:118,924,478, T>A on the plus strand (A>T on the coding strand, the complement: TNFRSF11B is on the minus strand). VCF-style: chr8-118924478-T-A. GRCh37 (hg19) VCF-style: chr8-119936717-T-A.
Other names: c.1102A>T (NM_002546.3); short protein forms T368S.
Identifiers: ClinVar variation 1493891 (VCV001493891.9), dbSNP rs149720389, ClinGen allele CA4854769.